The following is an entry in ClinVar:

ClinVar aggregate classification (germline): Uncertain significance (1 of 4 stars; one submission).

gnomAD v4.1: 11 of 1,613,984 alleles (0.00068%); highest among the groups gnomAD compares: Middle Eastern, 0.033%; no homozygotes.

Submission:

Labcorp Genetics (formerly Invitae), Labcorp
Classification: Uncertain significance. Last evaluated: 2026-01-19. Review status: criteria provided, single submitter. Criteria: Invitae Variant Classification Sherloc (09022015). Collection method: clinical testing. Allele origin: germline.
Comment: This sequence change replaces threonine, which is neutral and polar, with alanine, which is neutral and non-polar, at codon 195 of the TRRAP protein (p.Thr195Ala). This variant is not present in population databases (gnomAD no frequency). This variant has not been reported in the literature in individuals affected with TRRAP-related conditions. ClinVar contains an entry for this variant (Variation ID: 3613115). Invitae Evidence Modeling of protein sequence and biophysical properties (such as structural, functional, and spatial information, amino acid conservation, physicochemical variation, residue mobility, and thermodynamic stability) indicates that this missense variant is not expected to disrupt TRRAP protein function with a negative predictive value of 80%. In summary, the available evidence is currently insufficient to determine the role of this variant in disease. Therefore, it has been classified as a Variant of Uncertain Significance.

NM_001375524.1(TRRAP):c.583A>G (p.Thr195Ala)

Gene: TRRAP (transformation/transcription domain associated protein; plus strand). Cytogenetic location: 7q22.1.
Variant type: single nucleotide variant.
Coding change: c.583A>G on transcript NM_001375524.1 (MANE Select); coding-DNA position 583, A replaced by G.
Protein change: p.Thr195Ala; replaces threonine 195 with alanine.
Molecular consequence: missense variant.
Genome position (GRCh38, 1-based): chr7:98,897,816, A>G. VCF-style: chr7-98897816-A-G. GRCh37 (hg19) VCF-style: chr7-98495439-A-G.
Other names: c.583A>G, p.Thr195Ala (NM_001244580.2, NM_003496.4); short protein forms T195A.
Identifiers: ClinVar variation 3613115 (VCV003613115.2).